The following is an entry in ClinVar:

NM_001415.4(EIF2S3):c.938C>T (p.Pro313Leu)

Gene: EIF2S3 (eukaryotic translation initiation factor 2 subunit gamma; plus strand). Cytogenetic location: Xp22.11.
Variant type: single nucleotide variant.
Coding change: c.938C>T on transcript NM_001415.4 (MANE Select); coding-DNA position 938, C replaced by T.
Protein change: p.Pro313Leu; replaces proline 313 with leucine.
Molecular consequence: missense variant.
Genome position (GRCh38, 1-based): chrX:24,068,034, C>T. VCF-style: chrX-24068034-C-T. GRCh37 (hg19) VCF-style: chrX-24086151-C-T.
Other names: short protein forms P313L.
Identifiers: ClinVar variation 3234985 (VCV003234985.1), dbSNP rs2518578823, ClinGen allele CA412597553.

ClinVar aggregate classification (germline): Uncertain significance (1 of 4 stars; one submission).

Conditions:
MEHMO syndrome (MEHMO). Also called: MENTAL RETARDATION, X-LINKED, SYNDROMIC 20; MENTAL RETARDATION, X-LINKED, SYNDROMIC 25; Mental retardation, X-linked, syndromic, Borck type. Identifiers: Orphanet 85282, MedGen C1846278, MONDO:0010258, OMIM 300148.

Submission:

Neuberg Centre For Genomic Medicine, NCGM
Classification: Uncertain significance for MEHMO syndrome. Review status: criteria provided, single submitter. Criteria: ACMG Guidelines, 2015. Collection method: clinical testing. Allele origin: germline. Inheritance: X-linked recessive inheritance. Affected: yes.
Comment: The missense c.938C>Tp.Pro313Leu variant in EIF2S3 gene has not been reported previously as a pathogenic variant nor a benign variant, to our knowledge. The p.Pro313Leu variant is novel not in any individuals in gnomAD Exomes and 1000 Genomes. This variant has not been reported to the ClinVar database. The amino acid change p.Pro313Leu in EIF2S3 is predicted as conserved by GERP++ and PhyloP across 100 vertebrates. The amino acid Pro at position 313 is changed to a Leu changing protein sequence and it might alter its composition and physico-chemical properties. For these reasons, this variant has been classified as a Variant of Uncertain Significance VUS.